The following is an entry in ClinVar:

NM_001395159.1(UNC79):c.1701T>A (p.Val567=)

Gene: UNC79 (unc-79 subunit of NALCN channel complex; plus strand). Cytogenetic location: 14q32.12.
Variant type: single nucleotide variant.
Coding change: c.1701T>A on transcript NM_001395159.1 (MANE Select); coding-DNA position 1701, T replaced by A.
Protein change: p.Val567=; no amino-acid change (valine 567 retained).
Molecular consequence: synonymous variant.
Genome position (GRCh38, 1-based): chr14:93,542,642, T>A. VCF-style: chr14-93542642-T-A. GRCh37 (hg19) VCF-style: chr14-94008988-T-A.
Other names: c.1701T>A, p.Val567= (NM_001346218.2); c.1170T>A, p.Val390= (NM_020818.5).
Identifiers: ClinVar variation 4978659 (VCV004978659.1).

ClinVar aggregate classification (germline): Likely benign (1 of 4 stars; one submission).

Conditions:
UNC79-related disorder. Also called: UNC79-related condition.

gnomAD v4.1: 36 of 1,614,240 alleles (0.0022%); highest among the groups gnomAD compares: East Asian, 0.071%; no homozygotes.

Submission:

PreventionGenetics, part of Exact Sciences
Classification: Likely benign for UNC79-related condition. Last evaluated: 2025-03-06. Review status: criteria provided, single submitter. Criteria: ACMG Guidelines, 2015. Collection method: clinical testing. Allele origin: germline.
Comment: This variant is classified as likely benign based on ACMG/AMP sequence variant interpretation guidelines (Richards et al. 2015 PMID: 25741868, with internal and published modifications).